The following is an entry in ClinVar:

NM_006939.4(SOS2):c.3814C>T (p.Arg1272Cys)

Gene: SOS2 (SOS Ras/Rho guanine nucleotide exchange factor 2; minus strand). Cytogenetic location: 14q21.3.
Variant type: single nucleotide variant.
Coding change: c.3814C>T on transcript NM_006939.4 (MANE Select); coding-DNA position 3814, C replaced by T.
Protein change: p.Arg1272Cys; replaces arginine 1272 with cysteine.
Molecular consequence: missense variant.
Genome position (GRCh38, 1-based): chr14:50,118,529, G>A on the plus strand (C>T on the coding strand, the complement: SOS2 is on the minus strand). VCF-style: chr14-50118529-G-A. GRCh37 (hg19) VCF-style: chr14-50585247-G-A.
Other names: c.3814C>T (NM_006939.3, NM_006939.2); short protein forms R1272C.
Identifiers: ClinVar variation 1443246 (VCV001443246.13), dbSNP rs1005498417, ClinGen allele CA260703957.

ClinVar aggregate classification (germline): Conflicting classifications of pathogenicity. Review status: criteria provided, conflicting classifications (1 of 4 stars). 4 submissions from 4 submitters: Uncertain significance (2); Likely benign (2). Last evaluated 2025-11-22.

Conditions:
Cardiovascular phenotype. Identifiers: MedGen CN230736.
Noonan syndrome 9 (NS9). Identifiers: Orphanet 648, MedGen C4225282, MONDO:0014691, OMIM 616559.

Allele frequency attached by ClinVar (database versions not stated): gnomAD exomes 0.00001; gnomAD 0.00003; TOPMed 0.00005.
gnomAD v4.1: 29 of 1,613,990 alleles (0.0018%); highest among the groups gnomAD compares: South Asian, 0.0022%; no homozygotes.

Submissions (4):

Labcorp Genetics (formerly Invitae), Labcorp
Classification: Likely benign for Noonan syndrome 9. Last evaluated: 2025-11-22. Review status: criteria provided, single submitter. Criteria: Invitae Variant Classification Sherloc (09022015). Collection method: clinical testing. Allele origin: germline.

Ambry Genetics
Classification: Uncertain significance for Cardiovascular phenotype. Last evaluated: 2025-08-24. Review status: criteria provided, single submitter. Criteria: Ambry Variant Classification Scheme 2023. Collection method: clinical testing. Allele origin: germline.
Comment: The p.R1272C variant (also known as c.3814C>T), located in coding exon 23 of the SOS2 gene, results from a C to T substitution at nucleotide position 3814. The arginine at codon 1272 is replaced by cysteine, an amino acid with highly dissimilar properties. This amino acid position is conserved. In addition, the in silico prediction for this alteration is inconclusive. Since supporting evidence is limited at this time, the clinical significance of this alteration remains unclear.

Blueprint Genetics
Classification: Likely benign. Last evaluated: 2023-12-29. Review status: criteria provided, single submitter. Criteria: ACMG Guidelines, 2015. Collection method: clinical testing. Allele origin: germline.

Women's Health and Genetics/Laboratory Corporation of America, LabCorp
Classification: Uncertain significance. Last evaluated: 2023-01-25. Review status: criteria provided, single submitter. Criteria: LabCorp Variant Classification Summary - May 2015. Collection method: clinical testing. Allele origin: germline.
Comment: Variant summary: SOS2 c.3814C>T (p.Arg1272Cys) results in a non-conservative amino acid change in the encoded protein sequence. Three of five in-silico tools predict a damaging effect of the variant on protein function. The variant allele was found at a frequency of 1.2e-05 in 251480 control chromosomes (gnomAD). The available data on variant occurrences in the general population are insufficient to allow any conclusion about variant significance. To our knowledge, no occurrence of c.3814C>T in individuals affected with Noonan Syndrome and no experimental evidence demonstrating its impact on protein function have been reported. One clinical diagnostic laboratory has submitted clinical-significance assessments for this variant to ClinVar after 2014 and classified the variant as uncertain significance. Based on the evidence outlined above, the variant was classified as uncertain significance.